The following is an entry in ClinVar:

ClinVar aggregate classification (germline): Pathogenic (1 of 4 stars; one submission).

Conditions:
Hereditary cancer-predisposing syndrome. Also called: Hereditary Cancer Syndrome; Tumor predisposition; Hereditary neoplastic syndrome; Neoplastic Syndromes, Hereditary. Identifiers: Orphanet 140162, MedGen C0027672, MeSH D009386, MONDO:0015356.
Cardiovascular phenotype. Identifiers: MedGen CN230736.

Submission:

Ambry Genetics
Classification: Pathogenic for Cardiovascular phenotype; Hereditary cancer-predisposing syndrome. Last evaluated: 2024-08-06. Review status: criteria provided, single submitter. Criteria: Ambry Variant Classification Scheme 2023. Collection method: clinical testing. Allele origin: germline.
Comment: The c.4521_4522insTT pathogenic mutation, located in coding exon 34 of the NF1 gene, results from an insertion of two nucleotides at position 4521, causing a translational frameshift with a predicted alternate stop codon (p.K1508Lfs*46). This variant is considered to be rare based on population cohorts in the Genome Aggregation Database (gnomAD). This alteration is expected to result in loss of function by premature protein truncation or nonsense-mediated mRNA decay. As such, this alteration is interpreted as a disease-causing mutation.

NM_001042492.3(NF1):c.4584_4585insTT (p.Lys1529fs)

Gene: NF1 (neurofibromin 1; plus strand). Cytogenetic location: 17q11.2.
Variant type: Insertion.
Coding change: c.4584_4585insTT on transcript NM_001042492.3 (MANE Select); coding-DNA positions 4584 to 4585, TT inserted.
Protein change: p.Lys1529fs; shifts the reading frame from lysine 1529.
Molecular consequence: frameshift variant.
Genome position: GRCh38 VCF-style: chr17-31261716-A-ATT. GRCh37 (hg19) VCF-style: chr17-29588734-A-ATT.
Other names: c.4521_4522insTT, p.Lys1508Leufs (NM_000267.4); short protein forms K1508fs, K1529fs.
Identifiers: ClinVar variation 3404698 (VCV003404698.1).